The following is an entry in ClinVar:

NM_000051.4(ATM):c.89T>G (p.Phe30Cys)

Gene: ATM (ATM serine/threonine kinase; plus strand). Cytogenetic location: 11q22.3.
Variant type: single nucleotide variant.
Coding change: c.89T>G on transcript NM_000051.4 (MANE Select); coding-DNA position 89, T replaced by G.
Protein change: p.Phe30Cys; replaces phenylalanine 30 with cysteine.
Molecular consequence: missense variant.
Genome position (GRCh38, 1-based): chr11:108,227,792, T>G. VCF-style: chr11-108227792-T-G. GRCh37 (hg19) VCF-style: chr11-108098519-T-G.
Other names: c.89T>G, p.Phe30Cys (NM_001351834.2, NM_001351835.2, NM_001351836.2); short protein forms F30C.
Identifiers: ClinVar variation 236796 (VCV000236796.13), dbSNP rs876658520, ClinGen allele CA10582780.
Genomic context (GRCh38, chr11:108,227,792, plus strand): 5'-TAAGTGTGATTAGTAACCCATTATTATTTCCTTTTTATTTTCAGAAAGAAGTTGAGAAAT[T>G]TAAGCGCCTGATTCGAGATCCTGAAACAATTAAACATCTAGATCGGCATTCAGATTCCAA-3'
Protein context (NP_000042.3, residues 20-40): ATERKKEVEK[Phe30Cys]KRLIRDPETI

ClinVar aggregate classification (germline): Uncertain significance. Review status: criteria provided, single submitter (1 of 4 stars). 2 submissions from 2 submitters: Uncertain significance (1). 1 of the submissions does not count toward it. Last evaluated 2025-06-16.

Conditions:
Ataxia-telangiectasia syndrome (AT). Also called: Ataxia telangiectasia (A-T); LOUIS-BAR SYNDROME; Cerebello-oculocutaneous telangiectasia; Immunodeficiency with ataxia telangiectasia; ATAXIA-TELANGIECTASIA, COMPLEMENTATION GROUP A; ATAXIA-TELANGIECTASIA, FRESNO VARIANT. Identifiers: Orphanet 100, MedGen C0004135, MONDO:0008840, OMIM 208900.

Submissions (2):

Labcorp Genetics (formerly Invitae), Labcorp
Classification: Uncertain significance for Ataxia-telangiectasia syndrome. Last evaluated: 2025-06-16. Review status: criteria provided, single submitter. Criteria: Invitae Variant Classification Sherloc (09022015). Collection method: clinical testing. Allele origin: germline.
Comment: This sequence change replaces phenylalanine, which is neutral and non-polar, with cysteine, which is neutral and slightly polar, at codon 30 of the ATM protein (p.Phe30Cys). This variant is not present in population databases (gnomAD no frequency). This variant has not been reported in the literature in individuals affected with ATM-related conditions. ClinVar contains an entry for this variant (Variation ID: 236796). Invitae Evidence Modeling of protein sequence and biophysical properties (such as structural, functional, and spatial information, amino acid conservation, physicochemical variation, residue mobility, and thermodynamic stability) indicates that this missense variant is not expected to disrupt ATM protein function with a negative predictive value of 95%. In summary, the available evidence is currently insufficient to determine the role of this variant in disease. Therefore, it has been classified as a Variant of Uncertain Significance.

Natera, Inc.
Classification: Uncertain significance for Ataxia-telangiectasia. Last evaluated: 2020-07-28. Review status: no assertion criteria provided. Collection method: clinical testing. Allele origin: germline. Not counted in ClinVar's aggregate classification.